The following is an entry in ClinVar:

ClinVar aggregate classification (germline): Uncertain significance (1 of 4 stars; one submission).

Submission:

Women's Health and Genetics/Laboratory Corporation of America, LabCorp
Classification: Uncertain significance. Last evaluated: 2026-02-03. Review status: criteria provided, single submitter. Criteria: LabCorp Variant Classification Summary - May 2015. Collection method: clinical testing. Allele origin: germline.
Comment: Variant summary: TTN c.73659G>C (p.Lys24553Asn) results in a non-conservative amino acid change in the encoded protein sequence. Algorithms developed to predict the effect of missense changes on protein structure and function are either unavailable or do not agree on the potential impact of this missense change. The variant was absent in 243592 control chromosomes. The available data on variant occurrences in the general population are insufficient to allow any conclusion about variant significance. To our knowledge, no occurrence of c.73659G>C in individuals affected with TTN-related conditions and no experimental evidence demonstrating its impact on protein function have been reported. No submitters have cited clinical-significance assessments for this variant to ClinVar. Based on the evidence outlined above, the variant was classified as uncertain significance.

NM_001267550.2(TTN):c.81363G>C (p.Lys27121Asn)

Genes: TTN (titin; minus strand), TTN-AS1 (TTN antisense RNA 1; plus strand). Cytogenetic location: 2q31.2.
Variant type: single nucleotide variant.
Coding change: c.81363G>C on transcript NM_001267550.2 (MANE Select); coding-DNA position 81363, G replaced by C.
Protein change: p.Lys27121Asn; replaces lysine 27121 with asparagine.
Molecular consequence: missense variant.
Genome position (GRCh38, 1-based): chr2:178,564,769, C>G on the plus strand (G>C on the coding strand, the complement: TTN is on the minus strand). VCF-style: chr2-178564769-C-G. GRCh37 (hg19) VCF-style: chr2-179429496-C-G.
Other names: c.76440G>C, p.Lys25480Asn (NM_001256850.1); c.54168G>C, p.Lys18056Asn (NM_003319.4); c.73659G>C, p.Lys24553Asn (NM_133378.4); c.54543G>C, p.Lys18181Asn (NM_133432.3); c.54744G>C, p.Lys18248Asn (NM_133437.4); short protein forms K18056N, K18181N, K18248N, K24553N, K25480N, K27121N.
Identifiers: ClinVar variation 4848057 (VCV004848057.1).